The following is an entry in ClinVar:

ClinVar aggregate classification (germline): Pathogenic. Review status: criteria provided, multiple submitters, no conflicts (2 of 4 stars). 14 submissions from 14 submitters: Pathogenic (10). 4 of the submissions do not count toward it. Last evaluated 2026-02-09.

Conditions:
DARS2-related disorder. Also called: DARS2-related condition.
Leukoencephalopathy with brain stem and spinal cord involvement-high lactate syndrome (LBSL). Also called: MITOCHONDRIAL ASPARTYL-tRNA SYNTHETASE DEFICIENCY; LEUKOENCEPHALOPATHY WITH BRAINSTEM AND SPINAL CORD INVOLVEMENT AND LACTATE ELEVATION, MILD; Leukoencephalopathy with Brainstem and Spinal Cord Involvement and Lactate Elevation. Identifiers: Orphanet 137898, MedGen C1970180, MONDO:0012622, OMIM 611105.

Allele frequency attached by ClinVar (database versions not stated): ExAC 0.00007; TOPMed 0.00007; gnomAD 0.00011; gnomAD exomes 0.00011.
gnomAD v4.1: 173 of 1,613,926 alleles (0.011%); highest among the groups gnomAD compares: Non-Finnish European, 0.014%; no homozygotes.

Submissions (14):

Dasa
Classification: Pathogenic. Last evaluated: 2026-02-09. Review status: criteria provided, single submitter. Criteria: DASA Assertion Criteria. Collection method: clinical testing. Allele origin: germline.
Comment: NM_018122.5(DARS2):c.455G>T (p.Cys152Phe) is a missense variant that results in the substitution of cysteine with phenylalanine. Functional evidence supports a deleterious effect on the gene or gene product (PMID: 17384640; PMID: 24566671; PMID: 23216004). This variant has been recurrently observed in individuals with related phenotype (PMID: 17384640; PMID: 24566671; PMID: 23216004). Segregation evidence has been reported in affected families. Multiple computational predictions support a deleterious effect on the gene or gene product. The variant is present at low frequency in population datasets. Based on the available data, this variant is classified as pathogenic.

Labcorp Genetics (formerly Invitae), Labcorp
Classification: Pathogenic. Last evaluated: 2026-01-05. Review status: criteria provided, single submitter. Criteria: Invitae Variant Classification Sherloc (09022015). Collection method: clinical testing. Allele origin: germline.
Comment: This sequence change replaces cysteine, which is neutral and slightly polar, with phenylalanine, which is neutral and non-polar, at codon 152 of the DARS2 protein (p.Cys152Phe). This variant is present in population databases (rs121918208, gnomAD 0.03%). This missense change has been observed in individuals with leukoencephalopathy with brainstem and spinal cord involvement and lactate elevation (PMID: 17384640, 24566671). It has also been observed to segregate with disease in related individuals. ClinVar contains an entry for this variant (Variation ID: 1061). Invitae Evidence Modeling of protein sequence and biophysical properties (such as structural, functional, and spatial information, amino acid conservation, physicochemical variation, residue mobility, and thermodynamic stability) has been performed for this missense variant. However, the output from this modeling did not meet the statistical confidence thresholds required to predict the impact of this variant on DARS2 protein function. Experimental studies have shown that this missense change affects DARS2 function (PMID: 23216004). For these reasons, this variant has been classified as Pathogenic.

GeneDx
Classification: Pathogenic. Last evaluated: 2025-06-05. Review status: criteria provided, single submitter. Criteria: GeneDx Variant Classification Process June 2021. Collection method: clinical testing. Allele origin: germline. Affected: yes.
Comment: Published functional studies demonstrate a damaging effect with reduced protein expression and dimerization (PMID: 23216004); In silico analysis supports that this missense variant has a deleterious effect on protein structure/function; This variant is associated with the following publications: (PMID: 17384640, 29147736, 34426522, 31589614, 33686843, 31980526, 30325133, 24566671, 37563224, 23216004, 38790244, 38125072)

Laboratory of Genetics, Children's Clinical University Hospital Latvia
Classification: Pathogenic. Last evaluated: 2025-02-16. Review status: criteria provided, single submitter. Criteria: ACMG Guidelines, 2015. Collection method: clinical testing. Allele origin: germline. Affected: yes.

Broad Center for Mendelian Genomics, Broad Institute of MIT and Harvard
Classification: Pathogenic for Leukoencephalopathy with brain stem and spinal cord involvement-high lactate syndrome. Last evaluated: 2025-01-16. Review status: criteria provided, single submitter. Criteria: ACMG Guidelines, 2015. Collection method: curation. Allele origin: germline. Inheritance: Autosomal recessive inheritance.
Comment: The p.Cys152Phe variant in DARS2 has been reported in >10 individuals with leukoencephalopathy with brain stem and spinal cord involvement-high lactate syndrome (PMID: 24566671, 17384640, 19592391, 23065766), segregated with disease in 2 affected relatives from 2 families (PMID: 17384640, 24566671), and has been identified in 0.01% (167/1179920) of European non-Finnish chromosomes by the Genome Aggregation Database (gnomAD; dbSNP rs121918208). Although this variant has been seen in the general population in a heterozygous state, its frequency is not high enough to rule out a pathogenic role. This variant has also been reported in ClinVar (Variation ID: 1061) and has been interpreted as Pathogenic by multiple submitters. Of the many affected individuals, >10 were compound heterozygotes that carried a reported pathogenic variant in trans or with unknown phase, which increases the likelihood that the p.Cys152Phe variant is pathogenic (Variation ID: 1061; PMID: 24566671, 17384640, 19592391, 23065766). In vitro functional studies provide some evidence that the p.Cys152Phe variant may slightly impact protein function (PMID: 23216004). However, these types of assays may not accurately represent biological function. Computational prediction tools and conservation analyses suggest that this variant may impact the protein, though this information is not predictive enough to determine pathogenicity. In summary, this variant meets criteria to be classified as pathogenic for autosomal recessive leukoencephalopathy with brain stem and spinal cord involvement-high lactate syndrome. ACMG/AMP Criteria applied: PM3_very_strong, PP1, PP3, PS3_supporting (Richards 2015).

Blueprint Genetics
Classification: Pathogenic for DARS2-related disorders. Last evaluated: 2024-11-21. Review status: criteria provided, single submitter. Criteria: ACMG Guidelines, 2015. Collection method: clinical testing. Allele origin: germline. Affected: yes. Observed: 5 variant alleles.

Genome-Nilou Lab
Classification: Pathogenic for Leukoencephalopathy with brain stem and spinal cord involvement-high lactate syndrome. Last evaluated: 2023-04-11. Review status: criteria provided, single submitter. Criteria: ACMG Guidelines, 2015. Collection method: clinical testing. Allele origin: germline. Affected: no.

Women's Health and Genetics/Laboratory Corporation of America, LabCorp
Classification: Pathogenic for Leukoencephalopathy with brain stem and spinal cord involvement-high lactate syndrome. Last evaluated: 2022-06-03. Review status: criteria provided, single submitter. Criteria: LabCorp Variant Classification Summary - May 2015. Collection method: clinical testing. Allele origin: germline.
Comment: Variant summary: DARS2 c.455G>T (p.Cys152Phe) results in a non-conservative amino acid change located in the dimerization interface (van Berge_2013) of the encoded protein sequence. Five of five in-silico tools predict a damaging effect of the variant on protein function. The variant allele was found at a frequency of 0.00011 in 251326 control chromosomes. This frequency does not allow conclusions about variant significance. c.455G>T has been reported in the literature in multiple individuals affected with Leukoencephalopathy With Brain Stem And Spinal Cord Involvement-High Lactate Syndrome (example, Isohanni_2010, Steenweg_2012, van Berge_2014). These data indicate that the variant is very likely to be associated with disease. At least one publication reports experimental evidence evaluating an impact on protein function. The most pronounced variant effect results in reduced protein levels, decreased stability (approximately 50% of WT), decreased dimerization to WT and/or to the same or another mutation (approximately 30% of WT). Five clinical diagnostic laboratories have submitted clinical-significance assessments for this variant to ClinVar after 2014 without evidence for independent evaluation. All laboratories classified the variant as pathogenic/likely pathogenic. Based on the evidence outlined above, the variant was classified as pathogenic.

Centre of Medical Genetics, University Hospital Muenster
Classification: Pathogenic. Last evaluated: 2022-05-16. Review status: criteria provided, single submitter. Criteria: ACMG Guidelines, 2015. Collection method: clinical testing. Allele origin: unknown. Affected: yes. Observed: 1 variant allele, 1 heterozygote.
Comment: ACMG categories: PS3,PM2,PP1,PP3,PP5

CeGaT Center for Human Genetics Tuebingen
Classification: Pathogenic. Last evaluated: 2019-02-01. Review status: criteria provided, single submitter. Criteria: CeGaT Center For Human Genetics Tuebingen Variant Classification Criteria Version 2. Collection method: clinical testing. Allele origin: germline. Affected: yes. Observed: 2 variant alleles.

PreventionGenetics, part of Exact Sciences
Classification: Pathogenic for DARS2-related condition. Last evaluated: 2024-01-18. Review status: no assertion criteria provided. Collection method: clinical testing. Allele origin: germline. Not counted in ClinVar's aggregate classification.
Comment: The DARS2 c.455G>T variant is predicted to result in the amino acid substitution p.Cys152Phe. This variant has been reported in individuals with autosomal recessive leukoencephalopathy with brain stem and spinal cord involvement and lactate elevation (LBSL) (Scheper et al. 2007. PubMed ID: 17384640; van Berge et al. 2014. PubMed ID: 24566671, supplementary table 3). A functional study shows that this variant leads to reduced levels of the encoded protein (mitochondrial aspartyl-tRNA synthetase and dimerization) (van Berge et al. 2013. PubMed ID: 23216004). This variant is reported in 0.029% of alleles in individuals of European (Non-Finnish) descent in gnomAD. This variant is interpreted as pathogenic.

Mayo Clinic Laboratories, Mayo Clinic
Classification: Pathogenic. Last evaluated: 2017-12-06. Review status: no assertion criteria provided. Collection method: clinical testing. Allele origin: unknown. Not counted in ClinVar's aggregate classification.

OMIM
Classification: Pathogenic for LEUKOENCEPHALOPATHY WITH BRAINSTEM AND SPINAL CORD INVOLVEMENT AND LACTATE ELEVATION. Last evaluated: 2007-04-01. Review status: no assertion criteria provided. Collection method: literature only. Allele origin: germline. Not counted in ClinVar's aggregate classification.

GeneReviews
No classification provided. Condition: Leukoencephalopathy with brain stem and spinal cord involvement-high lactate syndrome. Review status: no classification provided. Collection method: literature only. Allele origin: germline. Not counted in ClinVar's aggregate classification.
Comment: Several individuals share haplotypes involving five or six microsatellite markers on chromosome 1p25. The pathogenic variants 492+2T>C and 455G>T are correlated with two of these haplotypes and are often seen in affected individuals of northeastern European origin.

Literature cited by the submitters: PubMed 17384640 (cited by 5 submitters); PubMed 24566671 (cited by 3 submitters); PubMed 23216004 (cited by 3 submitters); PubMed 19592391 (cited by Women's Health and Genetics/Laboratory Corporation of America, LabCorp and GeneReviews); PubMed 23065766 (cited by Women's Health and Genetics/Laboratory Corporation of America, LabCorp).

NM_018122.5(DARS2):c.455G>T (p.Cys152Phe)

Gene: DARS2 (aspartyl-tRNA synthetase 2, mitochondrial; plus strand). Cytogenetic location: 1q25.1.
Variant type: single nucleotide variant.
Coding change: c.455G>T on transcript NM_018122.5 (MANE Select); coding-DNA position 455, G replaced by T.
Protein change: p.Cys152Phe; replaces cysteine 152 with phenylalanine.
Molecular consequence: missense variant.
Genome position (GRCh38, 1-based): chr1:173,831,593, G>T. VCF-style: chr1-173831593-G-T. GRCh37 (hg19) VCF-style: chr1-173800731-G-T.
Other names: NM_018122.5(DARS2):c.455G>T; c.455G>T, p.Cys152Phe (NM_001365212.1, NM_001365213.2); short protein forms C152F.
Identifiers: ClinVar variation 1061 (VCV000001061.69), dbSNP rs121918208, ClinGen allele CA339866.